The following is an entry in ClinVar:

ClinVar aggregate classification (germline): Likely benign. Review status: criteria provided, multiple submitters, no conflicts (2 of 4 stars). 3 submissions from 3 submitters: Likely benign (3). Last evaluated 2025-08-30.

Conditions:
Familial hypercholesterolemia. Also called: Familial hypercholesterolemias; Familial hypercholesterolaemia. Identifiers: MedGen C0020445, MONDO:0005439.
Hypercholesterolemia, autosomal dominant, 3 (FHCL3). Also called: Familial hypercholesterolemia 3; Familial Hypercholesterolemia, Autosomal Dominant, 3; PCSK9-Related Familial Hypercholesterolemia, Autosomal Dominant. Identifiers: MedGen C1863551, MONDO:0011369, OMIM 603776.

Allele frequency attached by ClinVar (database versions not stated): gnomAD 0.00001; TOPMed 0.00001; ESP Exome Variant Server 0.00008.
gnomAD v4.1: 1 of 1,610,302 alleles (0.000062%); highest among the groups gnomAD compares: Non-Finnish European, 0.000085%; no homozygotes.

Submissions (3):

Labcorp Genetics (formerly Invitae), Labcorp
Classification: Likely benign for Hypercholesterolemia, autosomal dominant, 3. Last evaluated: 2025-08-30. Review status: criteria provided, single submitter. Criteria: Invitae Variant Classification Sherloc (09022015). Collection method: clinical testing. Allele origin: germline.

All of Us Research Program, National Institutes of Health
Classification: Likely benign for Hypercholesterolemia, autosomal dominant, 3. Last evaluated: 2023-06-26. Review status: criteria provided, single submitter. Criteria: ACMG Guidelines, 2015. Collection method: clinical testing. Allele origin: germline. Inheritance: Autosomal dominant inheritance. Observed: 1 variant allele, 1 heterozygote.
Comment: This study involves interpretation of variants in research participants for the purpose of population health screening. Participant phenotype was not available at the time of variant classification. Additional details can be found in publication PMID: 35346344, PMCID: PMC8962531

Color Diagnostics, LLC DBA Color Health
Classification: Likely benign for Familial hypercholesterolemia. Last evaluated: 2019-10-24. Review status: criteria provided, single submitter. Criteria: ACMG Guidelines, 2015. Collection method: clinical testing. Allele origin: germline.

NM_174936.4(PCSK9):c.831C>G (p.Val277=)

Gene: PCSK9 (proprotein convertase subtilisin/kexin type 9; plus strand). Cytogenetic location: 1p32.3.
Variant type: single nucleotide variant.
Coding change: c.831C>G on transcript NM_174936.4 (MANE Select); coding-DNA position 831, C replaced by G.
Protein change: p.Val277=; no amino-acid change (valine 277 retained).
Molecular consequence: synonymous variant. On other transcripts: non-coding transcript variant (8).
Genome position (GRCh38, 1-based): chr1:55,056,024, C>G. VCF-style: chr1-55056024-C-G. GRCh37 (hg19) VCF-style: chr1-55521697-C-G.
Other names: c.954C>G, p.Val318= (NM_001407240.1); c.831C>G, p.Val277= (NM_001407241.1, NM_001407244.1, NM_001407247.1); c.834C>G, p.Val278= (NM_001407242.1); c.774C>G, p.Val258= (NM_001407243.1); c.639C>G, p.Val213= (NM_001407245.1); c.456C>G, p.Val152= (NM_001407246.1).
Identifiers: ClinVar variation 920822 (VCV000920822.12), dbSNP rs138038246, ClinGen allele CA22762681.